The following is an entry in ClinVar:

ClinVar aggregate classification (germline): Benign (1 of 4 stars; one submission).

Conditions:
Prostate cancer, hereditary, 9 (HPC9). Identifiers: Orphanet 1331, MedGen C1970250, MONDO:0012597, OMIM 610997.

gnomAD v4.1: 1 of 1,612,622 alleles (0.000062%); highest among the groups gnomAD compares: Non-Finnish European, 0.000085%; no homozygotes.

Submission:

Myriad Genetics, Inc.
Classification: Benign for Prostate cancer, hereditary, 9. Last evaluated: 2024-10-28. Review status: criteria provided, single submitter. Criteria: Myriad Autosomal Dominant, Autosomal Recessive and X-Linked Classification Criteria (2023). Collection method: clinical testing. Allele origin: unknown.
Comment: This variant is considered benign. This variant is a silent/synonymous amino acid change and it is not expected to impact splicing.

NM_006361.6(HOXB13):c.24C>G (p.Thr8=)

Gene: HOXB13 (homeobox B13; minus strand). Cytogenetic location: 17q21.32.
Variant type: single nucleotide variant.
Coding change: c.24C>G on transcript NM_006361.6 (MANE Select); coding-DNA position 24, C replaced by G.
Protein change: p.Thr8=; no amino-acid change (threonine 8 retained).
Molecular consequence: synonymous variant.
Genome position (GRCh38, 1-based): chr17:48,728,570, G>C on the plus strand (C>G on the coding strand, the complement: HOXB13 is on the minus strand). VCF-style: chr17-48728570-G-C. GRCh37 (hg19) VCF-style: chr17-46805932-G-C.
Identifiers: ClinVar variation 3773455 (VCV003773455.1).